The following is an entry in ClinVar:

ClinVar aggregate classification (germline): Likely benign. Review status: criteria provided, multiple submitters, no conflicts (2 of 4 stars). 3 submissions from 3 submitters: Likely benign (3). Last evaluated 2022-10-01.

Conditions:
Cardiovascular phenotype. Identifiers: MedGen CN230736.
Long QT syndrome (LQTS). Identifiers: MedGen C0023976, MeSH D008133, MONDO:0002442. Disease mechanism: loss of function. Inheritance: Various modes of inheritance.

Allele frequency attached by ClinVar (database versions not stated): ExAC 0.00003; gnomAD exomes 0.00003; TOPMed 0.00003; gnomAD 0.00007.
gnomAD v4.1: 59 of 1,613,966 alleles (0.0037%); highest among the groups gnomAD compares: Admixed American, 0.0017%; no homozygotes.

Submissions (3):

CeGaT Center for Human Genetics Tuebingen
Classification: Likely benign. Last evaluated: 2022-10-01. Review status: criteria provided, single submitter. Criteria: CeGaT Center For Human Genetics Tuebingen Variant Classification Criteria Version 2. Collection method: clinical testing. Allele origin: germline. Affected: yes. Observed: 1 variant allele.
Comment: ANK2: BP4, BP7

Labcorp Genetics (formerly Invitae), Labcorp
Classification: Likely benign for Long QT syndrome. Last evaluated: 2022-08-09. Review status: criteria provided, single submitter. Criteria: Invitae Variant Classification Sherloc (09022015). Collection method: clinical testing. Allele origin: germline.

Ambry Genetics
Classification: Likely benign for Cardiovascular phenotype. Last evaluated: 2021-05-24. Review status: criteria provided, single submitter. Criteria: Ambry Variant Classification Scheme 2023. Collection method: clinical testing. Allele origin: germline.

NM_001148.6(ANK2):c.624C>T (p.Ala208=)

Gene: ANK2 (ankyrin 2; plus strand). Cytogenetic location: 4q26.
Variant type: single nucleotide variant.
Coding change: c.624C>T on transcript NM_001148.6 (MANE Select); coding-DNA position 624, C replaced by T.
Protein change: p.Ala208=; no amino-acid change (alanine 208 retained).
Molecular consequence: synonymous variant.
Genome position (GRCh38, 1-based): chr4:113,237,127, C>T. VCF-style: chr4-113237127-C-T. GRCh37 (hg19) VCF-style: chr4-114158283-C-T.
Other names: c.561C>T, p.Ala187= (NM_001127493.3, NM_001354239.2, NM_001354243.2 and 33 more transcripts); c.624C>T, p.Ala208= (NM_001354225.2, NM_001354228.2, NM_001354232.2 and 9 more transcripts); c.669C>T, p.Ala223= (NM_001354230.2, NM_001354231.2, NM_001354237.2 and 5 more transcripts); c.606C>T, p.Ala202= (NM_001354261.2, NM_001386147.1, NM_001386160.1); c.612C>T, p.Ala204= (NM_001354269.3, NM_001386148.2, NM_001386186.2 and 1 more transcripts); c.675C>T, p.Ala225= (NM_001386174.1, NM_001386175.1).
Identifiers: ClinVar variation 1752424 (VCV001752424.31), dbSNP rs774569567, ClinGen allele CA3050056.